The following is an entry in ClinVar:

NM_032608.7(MYO18B):c.112A>G (p.Ile38Val)

Gene: MYO18B (myosin XVIIIB; plus strand). Cytogenetic location: 22q12.1.
Variant type: single nucleotide variant.
Coding change: c.112A>G on transcript NM_032608.7 (MANE Select); coding-DNA position 112, A replaced by G.
Protein change: p.Ile38Val; replaces isoleucine 38 with valine.
Molecular consequence: missense variant.
Genome position (GRCh38, 1-based): chr22:25,763,303, A>G. VCF-style: chr22-25763303-A-G. GRCh37 (hg19) VCF-style: chr22-26159270-A-G.
Other names: c.112A>G (NM_032608.5); c.112A>G, p.Ile38Val (NM_001318245.2); short protein forms I38V.
Identifiers: ClinVar variation 1368990 (VCV001368990.7), dbSNP rs746711853, ClinGen allele CA10159494.
Genomic context (GRCh38, chr22:25,763,303, plus strand): 5'-GACAAGAGCCCTCCACCATCCTCGCCCCCTCCTCTTTTCTCTGTCATCCCAGGGGGCTTC[A>G]TTAAGCAACTGGTCCGGGGGACTGAAAAAGAGGCCAAGGAAGCGAGACAGAGGAAGCAGT-3'
Protein context (NP_115997.5, residues 28-48): PLFSVIPGGF[Ile38Val]KQLVRGTEKE

ClinVar aggregate classification (germline): Uncertain significance. Review status: criteria provided, multiple submitters, no conflicts (2 of 4 stars). 3 submissions from 3 submitters: Uncertain significance (3). Last evaluated 2024-05-14.

Conditions:
Inborn genetic diseases. Identifiers: MedGen C0950123, MeSH D030342.

Allele frequency attached by ClinVar (database versions not stated): TOPMed below 0.00001; gnomAD exomes 0.00002 and 0.00003; ExAC 0.00004.
gnomAD v4.1: 24 of 1,613,208 alleles (0.0015%); highest among the groups gnomAD compares: Middle Eastern, 0.033%; no homozygotes.

Submissions (3):

Blueprint Genetics
Classification: Uncertain significance. Last evaluated: 2024-05-14. Review status: criteria provided, single submitter. Criteria: ACMG Guidelines, 2015. Collection method: clinical testing. Allele origin: germline.

Ambry Genetics
Classification: Uncertain significance for Inborn genetic diseases. Last evaluated: 2023-04-03. Review status: criteria provided, single submitter. Criteria: Ambry Variant Classification Scheme 2023. Collection method: clinical testing. Allele origin: germline.

Labcorp Genetics (formerly Invitae), Labcorp
Classification: Uncertain significance. Last evaluated: 2022-10-13. Review status: criteria provided, single submitter. Criteria: Invitae Variant Classification Sherloc (09022015). Collection method: clinical testing. Allele origin: germline.
Comment: This sequence change replaces isoleucine, which is neutral and non-polar, with valine, which is neutral and non-polar, at codon 38 of the MYO18B protein (p.Ile38Val). This variant is present in population databases (rs746711853, gnomAD 0.02%). This variant has not been reported in the literature in individuals affected with MYO18B-related conditions. ClinVar contains an entry for this variant (Variation ID: 1368990). Algorithms developed to predict the effect of missense changes on protein structure and function are either unavailable or do not agree on the potential impact of this missense change (SIFT: "Not Available"; PolyPhen-2: "Probably Damaging"; Align-GVGD: "Not Available"). In summary, the available evidence is currently insufficient to determine the role of this variant in disease. Therefore, it has been classified as a Variant of Uncertain Significance.